The following is an entry in ClinVar:

NM_012193.4(FZD4):c.1381A>C (p.Asn461His)

Genes: FZD4 (frizzled class receptor 4; minus strand), PRSS23 (serine protease 23; plus strand). Cytogenetic location: 11q14.2.
Variant type: single nucleotide variant.
Coding change: c.1381A>C on transcript NM_012193.4 (MANE Select); coding-DNA position 1381, A replaced by C.
Protein change: p.Asn461His; replaces asparagine 461 with histidine.
Molecular consequence: missense variant. On other transcripts: non-coding transcript variant (2).
Genome position (GRCh38, 1-based): chr11:86,951,375, T>G on the plus strand (A>C on the coding strand, the complement: FZD4 is on the minus strand). VCF-style: chr11-86951375-T-G. GRCh37 (hg19) VCF-style: chr11-86662417-T-G.
Other names: short protein forms N461H.
Identifiers: ClinVar variation 4620457 (VCV004620457.1).

ClinVar aggregate classification (germline): Uncertain significance (1 of 4 stars; one submission).

Conditions:
Inborn genetic diseases. Identifiers: MedGen C0950123, MeSH D030342.

gnomAD v4.1: 4 of 1,613,824 alleles (0.00025%); highest among the groups gnomAD compares: Non-Finnish European, 0.00034%; no homozygotes.

Submission:

Ambry Genetics
Classification: Uncertain significance for Inborn genetic diseases. Last evaluated: 2025-11-26. Review status: criteria provided, single submitter. Criteria: Ambry Variant Classification Scheme 2023. Collection method: clinical testing. Allele origin: germline.
Comment: The c.1381A>C (p.N461H) alteration is located in exon 2 (coding exon 2) of the FZD4 gene. This alteration results from a A to C substitution at nucleotide position 1381, causing the asparagine (N) at amino acid position 461 to be replaced by a histidine (H). Based on data from gnomAD, the C allele has an overall frequency of <0.001% (1/251456) total alleles studied. The highest observed frequency was 0.001% (1/113730) of European (non-Finnish) alleles. Based on insufficient or conflicting evidence, the clinical significance of this alteration remains unclear.